The following is an entry in ClinVar:

ClinVar aggregate classification (germline): Likely benign (1 of 4 stars; one submission).

Submission:

CeGaT Center for Human Genetics Tuebingen
Classification: Likely benign. Last evaluated: 2023-11-01. Review status: criteria provided, single submitter. Criteria: CeGaT Center For Human Genetics Tuebingen Variant Classification Criteria Version 2. Collection method: clinical testing. Allele origin: germline. Affected: yes. Observed: 2 variant alleles.
Comment: H2AC21: BP4, BP7

NM_175065.3(H2AC21):c.189T>C (p.Ile63=)

Gene: H2AC21 (H2A clustered histone 21; minus strand). Cytogenetic location: 1q21.2.
Variant type: single nucleotide variant.
Coding change: c.189T>C on transcript NM_175065.3 (MANE Select); coding-DNA position 189, T replaced by C.
Protein change: p.Ile63=; no amino-acid change (isoleucine 63 retained).
Molecular consequence: synonymous variant.
Genome position (GRCh38, 1-based): chr1:149,887,728, A>G on the plus strand (T>C on the coding strand, the complement: H2AC21 is on the minus strand). VCF-style: chr1-149887728-A-G. GRCh37 (hg19) VCF-style: chr1-149859278-A-G.
Identifiers: ClinVar variation 2639146 (VCV002639146.24), dbSNP rs1553760118, ClinGen allele CA420891972.
Genomic context (GRCh38, chr1:149,887,728, plus strand): 5'-ATGGCGAGGGATGATGCGCGTCTTCTTGTTGTCCCGAGCCGCGTTGCCCGCCAGCTCCAG[A>G]ATTTCCGCGGTCAGGTACTCGAGGACCGCCGCCAGGTACACCGGGGCGCCTGCCCCGACC-3'
Protein context (NP_778235.1, residues 53-73): AAVLEYLTAE[Ile63=]LELAGNAARD